The following is an entry in ClinVar:

NM_005732.4(RAD50):c.81C>A (p.Phe27Leu)

Gene: RAD50 (RAD50 double strand break repair protein; plus strand). Cytogenetic location: 5q31.1.
Variant type: single nucleotide variant.
Coding change: c.81C>A on transcript NM_005732.4 (MANE Select); coding-DNA position 81, C replaced by A.
Protein change: p.Phe27Leu; replaces phenylalanine 27 with leucine.
Molecular consequence: missense variant.
Genome position (GRCh38, 1-based): chr5:132,557,405, C>A. VCF-style: chr5-132557405-C-A. GRCh37 (hg19) VCF-style: chr5-131893097-C-A.
Other names: short protein forms F27L.
Identifiers: ClinVar variation 457491 (VCV000457491.18), dbSNP rs868228536, ClinGen allele CA360951483.

ClinVar aggregate classification (germline): Uncertain significance. Review status: criteria provided, multiple submitters, no conflicts (2 of 4 stars). 3 submissions from 3 submitters: Uncertain significance (3). Last evaluated 2024-10-29.

Conditions:
Hereditary cancer-predisposing syndrome. Also called: Neoplastic Syndromes, Hereditary; Tumor predisposition; Hereditary Cancer Syndrome; Hereditary neoplastic syndrome. Identifiers: Orphanet 140162, MedGen C0027672, MeSH D009386, MONDO:0015356.
Nijmegen breakage syndrome-like disorder (NBSLD). Also called: MICROCEPHALY AND SPONTANEOUS CHROMOSOME INSTABILITY WITHOUT IMMUNODEFICIENCY; NBS-LIKE DISORDER; RAD50 DEFICIENCY. Identifiers: Orphanet 240760, MedGen C2751318, MONDO:0013118, OMIM 613078.

Submissions (3):

Ambry Genetics
Classification: Uncertain significance for Hereditary cancer-predisposing syndrome. Last evaluated: 2024-10-29. Review status: criteria provided, single submitter. Criteria: Ambry Variant Classification Scheme 2023. Collection method: clinical testing. Allele origin: germline.
Comment: The p.F27L variant (also known as c.81C>A), located in coding exon 1 of the RAD50 gene, results from a C to A substitution at nucleotide position 81. The phenylalanine at codon 27 is replaced by leucine, an amino acid with highly similar properties. This amino acid position is highly conserved in available vertebrate species. In addition, this alteration is predicted to be deleterious by in silico analysis. Since supporting evidence is limited at this time, the clinical significance of this alteration remains unclear.

Baylor Genetics
Classification: Uncertain significance for Nijmegen breakage syndrome-like disorder. Last evaluated: 2023-05-26. Review status: criteria provided, single submitter. Criteria: ACMG Guidelines, 2015. Collection method: clinical testing. Allele origin: unknown.

Labcorp Genetics (formerly Invitae), Labcorp
Classification: Uncertain significance for Hereditary cancer-predisposing syndrome. Last evaluated: 2021-07-18. Review status: criteria provided, single submitter. Criteria: Invitae Variant Classification Sherloc (09022015). Collection method: clinical testing. Allele origin: germline.
Comment: This sequence change replaces phenylalanine with leucine at codon 27 of the RAD50 protein (p.Phe27Leu). The phenylalanine residue is highly conserved and there is a small physicochemical difference between phenylalanine and leucine. This variant is not present in population databases (ExAC no frequency) and has not been reported in the literature in individuals with a RAD50-related disease. Algorithms developed to predict the effect of missense changes on protein structure and function do not agree on the potential impact of this missense change (SIFT: "Deleterious"; PolyPhen-2: "Benign"; Align-GVGD: "Class C0"). In summary, this variant is a novel missense change with uncertain impact on protein function. It has been classified as a Variant of Uncertain Significance.